The following is an entry in ClinVar:

NM_004006.3(DMD):c.3889G>T (p.Gly1297Cys)

Gene: DMD (dystrophin; minus strand). Cytogenetic location: Xp21.1.
Variant type: single nucleotide variant.
Coding change: c.3889G>T on transcript NM_004006.3 (MANE Select); coding-DNA position 3889, G replaced by T.
Protein change: p.Gly1297Cys; replaces glycine 1297 with cysteine.
Molecular consequence: missense variant.
Genome position (GRCh38, 1-based): chrX:32,441,212, C>A on the plus strand (G>T on the coding strand, the complement: DMD is on the minus strand). VCF-style: chrX-32441212-C-A. GRCh37 (hg19) VCF-style: chrX-32459329-C-A.
Other names: c.3865G>T, p.Gly1289Cys (NM_000109.4); c.3877G>T, p.Gly1293Cys (NM_004009.3); c.3520G>T, p.Gly1174Cys (NM_004010.3); short protein forms G1174C, G1289C, G1293C, G1297C.
Identifiers: ClinVar variation 1177491 (VCV001177491.18), dbSNP rs941573844, ClinGen allele CA328027228.

ClinVar aggregate classification (germline): Likely benign. Review status: criteria provided, multiple submitters, no conflicts (2 of 4 stars). 4 submissions from 4 submitters: Likely benign (4). Last evaluated 2026-01-11.

Conditions:
Dilated cardiomyopathy 3B (CMD3B). Also called: CMD3B: DMD-Related Dilated Cardiomyopathy; CARDIOMYOPATHY, DILATED, X-LINKED; DMD-Associated Dilated Cardiomyopathy. Identifiers: Orphanet 154, MedGen C3668940, MONDO:0010542, OMIM 302045.
Becker muscular dystrophy (BMD). Also called: MUSCULAR DYSTROPHY, PSEUDOHYPERTROPHIC PROGRESSIVE, BECKER TYPE; Becker Muscular Dystrophy (BMD). Identifiers: Orphanet 98895, MedGen C0917713, MONDO:0010311, OMIM 300376.
Duchenne muscular dystrophy (DMD). Also called: MUSCULAR DYSTROPHY, PSEUDOHYPERTROPHIC PROGRESSIVE, DUCHENNE TYPE; Duchenne Muscular Dystrophy (DMD). Identifiers: Orphanet 98896, MedGen C0013264, MONDO:0010679, OMIM 310200.
Cardiovascular phenotype. Identifiers: MedGen CN230736.

Allele frequency attached by ClinVar (database versions not stated): TOPMed 0.00001; gnomAD exomes 0.00002; gnomAD 0.00003.
gnomAD v4.1: 33 of 1,207,416 alleles (0.0027%); highest among the groups gnomAD compares: Non-Finnish European, 0.0036%; no homozygotes.

Submissions (4):

Labcorp Genetics (formerly Invitae), Labcorp
Classification: Likely benign for Duchenne muscular dystrophy. Last evaluated: 2026-01-11. Review status: criteria provided, single submitter. Criteria: Invitae Variant Classification Sherloc (09022015). Collection method: clinical testing. Allele origin: germline.

CeGaT Center for Human Genetics Tuebingen
Classification: Likely benign. Last evaluated: 2025-10-01. Review status: criteria provided, single submitter. Criteria: CeGaT Center For Human Genetics Tuebingen Variant Classification Criteria Version 2. Collection method: clinical testing. Allele origin: germline. Affected: yes. Observed: 1 variant allele.
Comment: DMD: BP4, BS2

Ambry Genetics
Classification: Likely benign for Cardiovascular phenotype. Last evaluated: 2024-06-24. Review status: criteria provided, single submitter. Criteria: Ambry Variant Classification Scheme 2023. Collection method: clinical testing. Allele origin: germline.

GeneDx
Classification: Likely benign. Last evaluated: 2020-04-23. Review status: criteria provided, single submitter. Criteria: GeneDx Variant Classification Process June 2021. Collection method: clinical testing. Allele origin: germline. Affected: yes.